The following is an entry in ClinVar:

NM_006031.6(PCNT):c.1463A>G (p.His488Arg)

Gene: PCNT (pericentrin; plus strand). Cytogenetic location: 21q22.3.
Variant type: single nucleotide variant.
Coding change: c.1463A>G on transcript NM_006031.6 (MANE Select); coding-DNA position 1463, A replaced by G.
Protein change: p.His488Arg; replaces histidine 488 with arginine.
Molecular consequence: missense variant.
Genome position (GRCh38, 1-based): chr21:46,353,110, A>G. VCF-style: chr21-46353110-A-G. GRCh37 (hg19) VCF-style: chr21-47773024-A-G.
Other names: c.1109A>G, p.His370Arg (NM_001315529.2); short protein forms H488R, H370R.
Identifiers: ClinVar variation 436181 (VCV000436181.11), dbSNP rs201966670, ClinGen allele CA10078643.

ClinVar aggregate classification (germline): Conflicting classifications of pathogenicity. Review status: criteria provided, conflicting classifications (1 of 4 stars). 3 submissions from 3 submitters: Uncertain significance (2); Likely benign (1). Last evaluated 2026-02-23.

Conditions:
PCNT-related disorder. Also called: PCNT-related condition.

Allele frequency attached by ClinVar (database versions not stated): TOPMed 0.00002; ExAC 0.00004; gnomAD exomes 0.00007.
gnomAD v4.1: 69 of 1,613,632 alleles (0.0043%); highest among the groups gnomAD compares: Middle Eastern, 0.033%; no homozygotes.

Submissions (3):

PreventionGenetics, part of Exact Sciences
Classification: Uncertain significance for PCNT-related condition. Last evaluated: 2026-02-23. Review status: criteria provided, single submitter. Criteria: ACMG Guidelines, 2015. Collection method: clinical testing. Allele origin: germline.
Comment: The PCNT c.1463A>G variant is predicted to result in the amino acid substitution p.His488Arg. To our knowledge, this variant has not been reported in the literature. This variant is reported in 0.023% of alleles in individuals of Latino descent in gnomAD. At this time, the clinical significance of this variant is uncertain due to the absence of conclusive functional and genetic evidence.

Blueprint Genetics
Classification: Likely benign. Last evaluated: 2024-02-08. Review status: criteria provided, single submitter. Criteria: ACMG Guidelines, 2015. Collection method: clinical testing. Allele origin: germline.

Genetic Services Laboratory, University of Chicago
Classification: Uncertain significance. Last evaluated: 2016-02-11. Review status: criteria provided, single submitter. Criteria: ACMG Guidelines, 2015. Collection method: clinical testing. Allele origin: germline. Affected: no.